The following is an entry in ClinVar:

ClinVar aggregate classification (germline): Uncertain significance (1 of 4 stars; one submission).

Conditions:
Hereditary spastic paraplegia. Also called: Familial spastic paraparesis. Identifiers: Orphanet 685, MedGen C0037773, MONDO:0019064. Disease mechanism: loss of function.

Allele frequency attached by ClinVar (database versions not stated): 1000 Genomes Project 30x 0.00016; 1000 Genomes Project 0.00020.
gnomAD v4.1: 67 of 1,613,938 alleles (0.0042%); highest among the groups gnomAD compares: East Asian, 0.08%; no homozygotes.

Submission:

Labcorp Genetics (formerly Invitae), Labcorp
Classification: Uncertain significance for Hereditary spastic paraplegia. Last evaluated: 2022-12-16. Review status: criteria provided, single submitter. Criteria: Invitae Variant Classification Sherloc (09022015). Collection method: clinical testing. Allele origin: germline.
Comment: In summary, the available evidence is currently insufficient to determine the role of this variant in disease. Therefore, it has been classified as a Variant of Uncertain Significance. Algorithms developed to predict the effect of missense changes on protein structure and function output the following: SIFT: "Tolerated"; PolyPhen-2: "Benign"; Align-GVGD: "Class C0". The glutamine amino acid residue is found in multiple mammalian species, which suggests that this missense change does not adversely affect protein function. This variant has not been reported in the literature in individuals affected with USP8-related conditions. This variant is present in population databases (rs376852674, gnomAD 0.07%), and has an allele count higher than expected for a pathogenic variant. This sequence change replaces arginine, which is basic and polar, with glutamine, which is neutral and polar, at codon 275 of the USP8 protein (p.Arg275Gln).

NM_005154.5(USP8):c.824G>A (p.Arg275Gln)

Gene: USP8 (ubiquitin specific peptidase 8; plus strand). Cytogenetic location: 15q21.2.
Variant type: single nucleotide variant.
Coding change: c.824G>A on transcript NM_005154.5 (MANE Select); coding-DNA position 824, G replaced by A.
Protein change: p.Arg275Gln; replaces arginine 275 with glutamine.
Molecular consequence: missense variant.
Genome position (GRCh38, 1-based): chr15:50,471,770, G>A. VCF-style: chr15-50471770-G-A. GRCh37 (hg19) VCF-style: chr15-50763967-G-A.
Other names: c.824G>A, p.Arg275Gln (NM_001128610.3); c.593G>A, p.Arg198Gln (NM_001283049.2); short protein forms R198Q, R275Q.
Identifiers: ClinVar variation 2833870 (VCV002833870.3), dbSNP rs376852674, ClinGen allele CA7555573.